The following is an entry in ClinVar:

ClinVar aggregate classification (germline): Pathogenic (0 of 4 stars; one submission).

Conditions:
Alkaptonuria (AKU). Also called: Alkaptonuric ochronosis; Homogentisic acidura; Alcaptonuria; HOMOGENTISIC ACID OXIDASE DEFICIENCY. Identifiers: Orphanet 56, MedGen C0002066, MONDO:0008753, OMIM 203500.

Submission:

Department Of Human Genetics, Institute Of Clinical And Translational Research, Biomedical Research Center, Slovak Academy Of Sciences
Classification: Pathogenic for Alkaptonuria. Review status: no assertion criteria provided. Collection method: research. Allele origin: germline. Inheritance: Autosomal recessive inheritance. Affected: yes. Observed: 1 variant allele.
Comment: The variant was originally described in AKU patient in PMID:30737480. It has been submitted to the HGD gene mutation database (DB-ID: AKU_00194).

Literature cited by the submitters: PubMed 30737480.

NM_000187.4(HGD):c.52G>T (p.Asp18Tyr)

Gene: HGD (homogentisate 1,2-dioxygenase; minus strand). Cytogenetic location: 3q13.33.
Variant type: single nucleotide variant.
Coding change: c.52G>T on transcript NM_000187.4 (MANE Select); coding-DNA position 52, G replaced by T.
Protein change: p.Asp18Tyr; replaces aspartic acid 18 with tyrosine.
Molecular consequence: missense variant.
Genome position (GRCh38, 1-based): chr3:120,675,827, C>A on the plus strand (G>T on the coding strand, the complement: HGD is on the minus strand). VCF-style: chr3-120675827-C-A. GRCh37 (hg19) VCF-style: chr3-120394674-C-A.
Other names: short protein forms D18Y.
Identifiers: ClinVar variation 2626836 (VCV002626836.1), dbSNP rs2472804843, ClinGen allele CA354082863.